The following is an entry in ClinVar:

ClinVar aggregate classification (germline): Likely benign (1 of 4 stars; one submission).

Allele frequency attached by ClinVar (database versions not stated): gnomAD exomes 0.00004; TOPMed 0.00004; ESP Exome Variant Server 0.00009; gnomAD 0.00015; ExAC 0.00016; 1000 Genomes Project 0.00079; 1000 Genomes Project 30x 0.00083.

Submission:

CeGaT Center for Human Genetics Tuebingen
Classification: Likely benign. Last evaluated: 2022-11-01. Review status: criteria provided, single submitter. Criteria: CeGaT Center For Human Genetics Tuebingen Variant Classification Criteria Version 2. Collection method: clinical testing. Allele origin: germline. Affected: yes. Observed: 1 variant allele.
Comment: GEMIN8: BP4, BP7, BS2

NM_001042479.2(GEMIN8):c.555G>A (p.Ser185=)

Gene: GEMIN8 (gem nuclear organelle associated protein 8; minus strand). Cytogenetic location: Xp22.2.
Variant type: single nucleotide variant.
Coding change: c.555G>A on transcript NM_001042479.2 (MANE Select); coding-DNA position 555, G replaced by A.
Protein change: p.Ser185=; no amino-acid change (serine 185 retained).
Molecular consequence: synonymous variant.
Genome position (GRCh38, 1-based): chrX:14,009,087, C>T on the plus strand (G>A on the coding strand, the complement: GEMIN8 is on the minus strand). VCF-style: chrX-14009087-C-T. GRCh37 (hg19) VCF-style: chrX-14027206-C-T.
Other names: c.555G>A, p.Ser185= (NM_001042480.2, NM_017856.3).
Identifiers: ClinVar variation 2660035 (VCV002660035.24), dbSNP rs368722951, ClinGen allele CA10352496.